The following is an entry in ClinVar:

ClinVar aggregate classification (germline): Conflicting classifications of pathogenicity. Review status: criteria provided, conflicting classifications (1 of 4 stars). 4 submissions from 4 submitters: Uncertain significance (1); Benign (1); Likely benign (1). 1 of the submissions does not count toward it. Last evaluated 2026-01-07.

Conditions:
Choanal atresia-athelia-hypothyroidism-delayed puberty-short stature syndrome (BCAHH). Also called: BRANCHIAL ARCH ABNORMALITIES, CHOANAL ATRESIA, ATHELIA, HEARING LOSS, AND HYPOTHYROIDISM SYNDROME. Identifiers: Orphanet 589856, MedGen C5680310, MONDO:0035651, OMIM 620186.
Kabuki syndrome 1 (KABUK1). Also called: KMT2D-Related Kabuki Syndrome. Identifiers: Orphanet 2322, MedGen CN030661, MONDO:0007843, OMIM 147920.
KMT2D-related disorder. Also called: KMT2D-Related Disorders.
Inborn genetic diseases. Identifiers: MedGen C0950123, MeSH D030342.
Kabuki syndrome. Also called: NIIKAWA-KUROKI SYNDROME; Kabuki make-up syndrome. Identifiers: Orphanet 2322, MedGen C0796004, MONDO:0016512.

Allele frequency attached by ClinVar (database versions not stated): ExAC 0.00002; gnomAD 0.00003.
gnomAD v4.1: 16 of 1,613,698 alleles (0.00099%); highest among the groups gnomAD compares: African/African-American, 0.02%; no homozygotes.

Submissions (4):

Ambry Genetics
Classification: Likely benign for Inborn genetic diseases. Last evaluated: 2026-01-07. Review status: criteria provided, single submitter. Criteria: Ambry Variant Classification Scheme 2023. Collection method: clinical testing. Allele origin: germline.

Labcorp Genetics (formerly Invitae), Labcorp
Classification: Benign for Kabuki syndrome. Last evaluated: 2025-02-23. Review status: criteria provided, single submitter. Criteria: Invitae Variant Classification Sherloc (09022015). Collection method: clinical testing. Allele origin: germline.

Fulgent Genetics
Classification: Uncertain significance for Kabuki syndrome 1; Choanal atresia-athelia-hypothyroidism-delayed puberty-short stature syndrome. Last evaluated: 2024-01-12. Review status: criteria provided, single submitter. Criteria: ACMG Guidelines, 2015. Collection method: clinical testing. Allele origin: germline.

PreventionGenetics, part of Exact Sciences
Classification: Benign for KMT2D-related condition. Last evaluated: 2024-06-08. Review status: no assertion criteria provided. Collection method: clinical testing. Allele origin: germline. Not counted in ClinVar's aggregate classification.
Comment: This variant is classified as benign based on ACMG/AMP sequence variant interpretation guidelines (Richards et al. 2015 PMID: 25741868, with internal and published modifications).

NM_003482.4(KMT2D):c.6853C>G (p.Leu2285Val)

Gene: KMT2D (lysine methyltransferase 2D; minus strand). Cytogenetic location: 12q13.12.
Variant type: single nucleotide variant.
Coding change: c.6853C>G on transcript NM_003482.4 (MANE Select); coding-DNA position 6853, C replaced by G.
Protein change: p.Leu2285Val; replaces leucine 2285 with valine.
Molecular consequence: missense variant.
Genome position (GRCh38, 1-based): chr12:49,040,917, G>C on the plus strand (C>G on the coding strand, the complement: KMT2D is on the minus strand). VCF-style: chr12-49040917-G-C. GRCh37 (hg19) VCF-style: chr12-49434700-G-C.
Other names: short protein forms L2285V.
Identifiers: ClinVar variation 2153198 (VCV002153198.7), dbSNP rs771287738, ClinGen allele CA6547166.